The following is an entry in ClinVar:

NM_000478.6(ALPL):c.480del (p.Val161fs)

Gene: ALPL (alkaline phosphatase, biomineralization associated; plus strand). Cytogenetic location: 1p36.12.
Variant type: Deletion.
Coding change: c.480del on transcript NM_000478.6 (MANE Select); coding-DNA position 480, one base deleted (T; older notation c.480delT).
Protein change: p.Val161fs; shifts the reading frame from valine 161.
Molecular consequence: frameshift variant.
Genome position (GRCh38, 1-based): chr1:21,564,048, T deleted. VCF-style (leftmost placement, unchanged base first): chr1-21564047-CT-C. GRCh37 (hg19) VCF-style: chr1-21890540-CT-C.
Other names: c.480delT (NM_000478.4); c.480del (NM_000478.4, NM_000478.5); c.315del, p.Val106fs (NM_001127501.4); c.249del, p.Val84fs (NM_001177520.3); c.480del, p.Val161fs (NM_001369803.2, NM_001369804.2, NM_001369805.2); short protein forms V161fs, V106fs, V84fs.
Identifiers: ClinVar variation 1355608 (VCV001355608.14), dbSNP rs1644527306, ClinGen allele CA1158014439.
Genomic context (GRCh38, chr1:21,564,047, plus strand): 5'-TCTGGGACACCCCGATCTGTGGATAAAGCCAAACCCGCCCCTCCTGCACCCCAGGGAAAT[CT>C]GTGGGCATTGTGACCACCACGAGAGTGAACCATGCCACCCCCAGCGCCGCCTACGCCCAC-3'

ClinVar aggregate classification (germline): Pathogenic. Review status: criteria provided, multiple submitters, no conflicts (2 of 4 stars). 7 submissions from 7 submitters: Pathogenic (7). Last evaluated 2026-09-01.

Conditions:
Inborn genetic diseases. Identifiers: MedGen C0950123, MeSH D030342.
Adult hypophosphatasia. Identifiers: Orphanet 247676, Orphanet 436, MedGen C0268413, MONDO:1010154, OMIM 146300, MONDO:0007798.
Hypophosphataemia or rickets.
Hypophosphatasia. Also called: Phosphoethanol-aminuria. Identifiers: Orphanet 436, MedGen C0020630, MeSH D007014, MONDO:0018570.

Allele frequency attached by ClinVar (database versions not stated): gnomAD exomes below 0.00001; TOPMed below 0.00001.

Submissions (7):

Genomenon, Inc
Classification: Pathogenic for Hypophosphatasia. Last evaluated: 2026-09-01. Review status: criteria provided, single submitter. Criteria: Genomenon Sequence Variant Interpretation Standards - Updated. Collection method: curation. Allele origin: germline. Affected: yes.
Comment: ALPL p.Val161TrpfsTer4 (c.480del) is a frameshift variant that is predicted to introduce a premature termination codon and result in a truncated or absent protein product. This variant has been observed in at least one proband affected with an ALPL-related disorder (PMID:32160374). It is absent or not present at a significant frequency in gnomAD. In conclusion, we classify ALPL p.Val161TrpfsTer4 (c.480del) as a pathogenic variant.

GeneDx
Classification: Pathogenic. Last evaluated: 2026-08-04. Review status: criteria provided, single submitter. Criteria: GeneDx Variant Classification Process June 2021. Collection method: clinical testing. Allele origin: germline.
Comment: Observed with a second variant, phase unknown, in a proband with hypophosphatasia in published literature (PMID: 32160374); Frameshift variant predicted to result in protein truncation or nonsense mediated decay in a gene for which loss of function is a known mechanism of disease; Not observed at significant frequency in large population cohorts (gnomAD); This variant is associated with the following publications: (PMID: 32160374)

Labcorp Genetics (formerly Invitae), Labcorp
Classification: Pathogenic. Last evaluated: 2025-07-20. Review status: criteria provided, single submitter. Criteria: Invitae Variant Classification Sherloc (09022015). Collection method: clinical testing. Allele origin: germline.
Comment: This sequence change creates a premature translational stop signal (p.Val161Trpfs*4) in the ALPL gene. It is expected to result in an absent or disrupted protein product. Loss-of-function variants in ALPL are known to be pathogenic (PMID: 3174660, 10679946, 32973344, 33814268). This variant is not present in population databases (gnomAD no frequency). This variant has not been reported in the literature in individuals affected with ALPL-related conditions. ClinVar contains an entry for this variant (Variation ID: 1355608). For these reasons, this variant has been classified as Pathogenic.

Natera, Inc.
Classification: Pathogenic for Hypophosphatasia. Last evaluated: 2025-05-28. Review status: criteria provided, single submitter. Criteria: Natera Variant Classification Schema (03/2026). Collection method: clinical testing. Allele origin: germline.
Comment: The c.480del variant in ALPL is a frameshift variant predicted to shift the reading frame beginning at codon 161 and leads to a stop codon 4 codons downstream. This variant is expected to result in nonsense mediated decay, truncation, or a dysfunctional protein product. This variant is rare in the general population with a frequency below the threshold expected for the associated phenotype(s). This variant has been observed in one or more individuals affected with the associated recessive disease, as either homozygous or compound heterozygous with a second variant (PMID: 32160374). Functional studies show that this variant may disrupt protein function (PMID: 32160374). Given the available evidence, this variant is classified as Pathogenic.

Ambry Genetics
Classification: Pathogenic for Inborn genetic diseases. Last evaluated: 2025-04-01. Review status: criteria provided, single submitter. Criteria: Ambry Variant Classification Scheme 2023. Collection method: clinical testing. Allele origin: germline.
Comment: The c.480delT (p.V161Wfs*4) alteration, located in exon 6 (coding exon 5) of the ALPL gene, consists of a deletion of one nucleotide at position 480, causing a translational frameshift with a predicted alternate stop codon after 4 amino acids. This alteration is expected to result in loss of function by premature protein truncation or nonsense-mediated mRNA decay. for autosomal dominant/ autosomal recessive ALPL-related hypophosphatasia (loss of function mechanism of disease); however, its clinical significance for autosomal dominant ALPL-related hypophosphatasia (dominant negative mechanism of disease) is uncertain This variant was not reported in population-based cohorts in the Genome Aggregation Database (gnomAD). This variant has been identified in conjunction with another ALPL variant in one individual with perinatal lethal hypophosphatasia (Del Angel, 2020). Based on the available evidence, this alteration is classified as pathogenic.

Cambridge Genomics Laboratory, East Genomic Laboratory Hub, NHS Genomic Medicine Service
Classification: Pathogenic for Hypophosphataemia or rickets. Last evaluated: 2024-09-12. Review status: criteria provided, single submitter. Criteria: ACGS Best Practice Guidelines for Variant Classification in Rare Disease 2020. Collection method: clinical testing. Allele origin: germline. Affected: yes.
Comment: PVS1,PM2

Baylor Genetics
Classification: Pathogenic for Adult hypophosphatasia. Last evaluated: 2024-02-28. Review status: criteria provided, single submitter. Criteria: ACMG Guidelines, 2015. Collection method: clinical testing. Allele origin: unknown.

Literature cited by the submitters: PubMed 32160374 (cited by 3 submitters); PubMed 3174660 (cited by Labcorp Genetics (formerly Invitae), Labcorp); PubMed 10679946 (cited by Labcorp Genetics (formerly Invitae), Labcorp); PubMed 32973344 (cited by Labcorp Genetics (formerly Invitae), Labcorp); PubMed 33814268 (cited by Labcorp Genetics (formerly Invitae), Labcorp).